The following is an entry in ClinVar:

ClinVar aggregate classification (germline): Conflicting classifications of pathogenicity. Review status: criteria provided, conflicting classifications (1 of 4 stars). 4 submissions from 4 submitters: Uncertain significance (1); Likely benign (2). 1 of the submissions does not count toward it. Last evaluated 2026-01-09.

Conditions:
LAMA3-related disorder. Also called: LAMA3-related condition; LAMA3-related disorders.
Inborn genetic diseases. Identifiers: MedGen C0950123, MeSH D030342.

Allele frequency attached by ClinVar (database versions not stated): gnomAD exomes 0.00016 and 0.00031; TOPMed 0.00020; gnomAD 0.00021; ExAC 0.00027; ESP Exome Variant Server 0.00031.
gnomAD v4.1: 269 of 1,614,004 alleles (0.017%); highest among the groups gnomAD compares: Admixed American, 0.022%; no homozygotes.

Submissions (4):

Labcorp Genetics (formerly Invitae), Labcorp
Classification: Likely benign. Last evaluated: 2026-01-09. Review status: criteria provided, single submitter. Criteria: Invitae Variant Classification Sherloc (09022015). Collection method: clinical testing. Allele origin: germline.

Ambry Genetics
Classification: Uncertain significance for Inborn genetic diseases. Last evaluated: 2022-03-03. Review status: criteria provided, single submitter. Criteria: Ambry Variant Classification Scheme 2023. Collection method: clinical testing. Allele origin: germline.

Breakthrough Genomics
Classification: Likely benign. Review status: criteria provided, single submitter. Criteria: ACMG Guidelines, 2015. Collection method: not provided. Allele origin: germline. Inheritance: Autosomal recessive inheritance. Affected: yes.

PreventionGenetics, part of Exact Sciences
Classification: Likely benign for LAMA3-related condition. Last evaluated: 2022-10-26. Review status: no assertion criteria provided. Collection method: clinical testing. Allele origin: germline. Not counted in ClinVar's aggregate classification.
Comment: This variant is classified as likely benign based on ACMG/AMP sequence variant interpretation guidelines (Richards et al. 2015 PMID: 25741868, with internal and published modifications).

NM_198129.4(LAMA3):c.7310T>C (p.Met2437Thr)

Gene: LAMA3 (laminin subunit alpha 3; plus strand). Cytogenetic location: 18q11.2.
Variant type: single nucleotide variant.
Coding change: c.7310T>C on transcript NM_198129.4 (MANE Select); coding-DNA position 7310, T replaced by C.
Protein change: p.Met2437Thr; replaces methionine 2437 with threonine.
Molecular consequence: missense variant.
Genome position (GRCh38, 1-based): chr18:23,912,862, T>C. VCF-style: chr18-23912862-T-C. GRCh37 (hg19) VCF-style: chr18-21492826-T-C.
Other names: c.2483T>C (NM_000227.3); c.2483T>C, p.Met828Thr (NM_000227.6); c.7142T>C, p.Met2381Thr (NM_001127717.4); c.2315T>C, p.Met772Thr (NM_001127718.4); short protein forms M2437T, M828T, M2381T, M772T.
Identifiers: ClinVar variation 733442 (VCV000733442.14), dbSNP rs150804730, ClinGen allele CA8916600.